The following is an entry in ClinVar:

NM_020778.5(ALPK3):c.423-233C>A

Gene: ALPK3 (alpha kinase 3; plus strand). Cytogenetic location: 15q25.3.
Variant type: single nucleotide variant.
Coding change: c.423-233C>A on transcript NM_020778.5 (MANE Select); 233 bases into the intron before coding-DNA position 423, C replaced by A.
Molecular consequence: intron variant.
Genome position (GRCh38, 1-based): chr15:84,839,469, C>A. VCF-style: chr15-84839469-C-A. GRCh37 (hg19) VCF-style: chr15-85382700-C-A.
Identifiers: ClinVar variation 678491 (VCV000678491.1), dbSNP rs73437946, ClinGen allele CA273664743.

ClinVar aggregate classification (germline): Likely benign (1 of 4 stars; one submission).

Allele frequency attached by ClinVar (database versions not stated): gnomAD 0.00983 and 0.01065; 1000 Genomes Project 0.01058; 1000 Genomes Project 30x 0.01077; TOPMed 0.01092.
gnomAD v4.1: 1,479 of 152,314 alleles (0.97%); highest among the groups gnomAD compares: African/African-American, 3.4%; 25 homozygotes.

Submission:

GeneDx
Classification: Likely benign. Last evaluated: 2018-06-19. Review status: criteria provided, single submitter. Criteria: GeneDx Variant Classification (06012015). Collection method: clinical testing. Allele origin: germline. Affected: yes.
Comment: This variant is considered likely benign or benign based on one or more of the following criteria: it is a conservative change, it occurs at a poorly conserved position in the protein, it is predicted to be benign by multiple in silico algorithms, and/or has population frequency not consistent with disease.